The following is an entry in ClinVar:

ClinVar aggregate classification (germline): Pathogenic (1 of 4 stars; one submission).

Conditions:
Hereditary factor VIII deficiency disease (HEMA). Also called: HEMOPHILIA, CLASSIC; AUTOSOMAL HEMOPHILIA A; Hemophilia A; Hemophilia A, congenital; HEM A; Factor 8 deficiency, congenital. Identifiers: Orphanet 98878, MedGen C0019069, MONDO:0010602, OMIM 306700.

Submission:

Women's Health and Genetics/Laboratory Corporation of America, LabCorp
Classification: Pathogenic for Hereditary factor VIII deficiency disease. Last evaluated: 2026-04-15. Review status: criteria provided, single submitter. Criteria: LabCorp Variant Classification Summary - May 2015. Collection method: clinical testing. Allele origin: germline.
Comment: Variant summary: F8 c.4166T>G (p.Leu1389X) results in a premature termination codon, predicted to cause absence of the protein due to nonsense mediated decay, which is a commonly known mechanism for disease. The variant was absent in 182435 control chromosomes. To our knowledge, no occurrence of c.4166T>G in individuals affected with F8-related conditions and no experimental evidence demonstrating its impact on protein function have been reported. No submitters have cited clinical-significance assessments for this variant to ClinVar. Based on the evidence outlined above, the variant was classified as pathogenic.

NM_000132.4(F8):c.4166T>G (p.Leu1389Ter)

Gene: F8 (coagulation factor VIII; minus strand). Cytogenetic location: Xq28.
Variant type: single nucleotide variant.
Coding change: c.4166T>G on transcript NM_000132.4 (MANE Select); coding-DNA position 4166, T replaced by G.
Protein change: p.Leu1389Ter; replaces leucine 1389 with a stop codon.
Molecular consequence: nonsense.
Genome position (GRCh38, 1-based): chrX:154,929,624, A>C on the plus strand (T>G on the coding strand, the complement: F8 is on the minus strand). VCF-style: chrX-154929624-A-C. GRCh37 (hg19) VCF-style: chrX-154157899-A-C.
Other names: short protein forms L1389*.
Identifiers: ClinVar variation 4848533 (VCV004848533.1).